The following is an entry in ClinVar:

NM_022168.4(IFIH1):c.2914A>C (p.Met972Leu)

Gene: IFIH1 (interferon induced with helicase C domain 1; minus strand). Cytogenetic location: 2q24.2.
Variant type: single nucleotide variant.
Coding change: c.2914A>C on transcript NM_022168.4 (MANE Select); coding-DNA position 2914, A replaced by C.
Protein change: p.Met972Leu; replaces methionine 972 with leucine.
Molecular consequence: missense variant.
Genome position (GRCh38, 1-based): chr2:162,267,364, T>G on the plus strand (A>C on the coding strand, the complement: IFIH1 is on the minus strand). VCF-style: chr2-162267364-T-G. GRCh37 (hg19) VCF-style: chr2-163123874-T-G.
Other names: short protein forms M972L.
Identifiers: ClinVar variation 1370185 (VCV001370185.8), dbSNP rs2105186745, ClinGen allele CA348989434.

ClinVar aggregate classification (germline): Uncertain significance (1 of 4 stars; one submission).

Conditions:
Singleton-Merten syndrome 1 (SGMRT1). Also called: Widened medullary cavities of bone, aortic calcification, abnormal dentition, and muscular weakness; Syndrome of widened medullary cavities of the metacarpals and phalanges, aortic calcification and abnormal dentition. Identifiers: Orphanet 85191, MedGen C4225427, MONDO:0024535, OMIM 182250.
Aicardi-Goutieres syndrome 7 (AGS7). Identifiers: Orphanet 51, MedGen C3888244, MONDO:0014367, OMIM 615846.

Submission:

Labcorp Genetics (formerly Invitae), Labcorp
Classification: Uncertain significance for Aicardi-Goutieres syndrome 7; Singleton-Merten syndrome 1. Last evaluated: 2022-08-10. Review status: criteria provided, single submitter. Criteria: Invitae Variant Classification Sherloc (09022015). Collection method: clinical testing. Allele origin: germline.
Comment: In summary, the available evidence is currently insufficient to determine the role of this variant in disease. Therefore, it has been classified as a Variant of Uncertain Significance. Algorithms developed to predict the effect of missense changes on protein structure and function are either unavailable or do not agree on the potential impact of this missense change (SIFT: "Tolerated"; PolyPhen-2: "Probably Damaging"; Align-GVGD: "Class C0"). ClinVar contains an entry for this variant (Variation ID: 1370185). This variant has not been reported in the literature in individuals affected with IFIH1-related conditions. This variant is not present in population databases (gnomAD no frequency). This sequence change replaces methionine, which is neutral and non-polar, with leucine, which is neutral and non-polar, at codon 972 of the IFIH1 protein (p.Met972Leu).